The following is an entry in ClinVar:

NM_182916.3(TRNT1):c.971T>A (p.Leu324Ter)

Gene: TRNT1 (tRNA nucleotidyl transferase 1; plus strand). Cytogenetic location: 3p26.2.
Variant type: single nucleotide variant.
Coding change: c.971T>A on transcript NM_182916.3 (MANE Select); coding-DNA position 971, T replaced by A.
Protein change: p.Leu324Ter; replaces leucine 324 with a stop codon.
Molecular consequence: nonsense. On other transcripts: non-coding transcript variant (8).
Genome position (GRCh38, 1-based): chr3:3,147,618, T>A. VCF-style: chr3-3147618-T-A. GRCh37 (hg19) VCF-style: chr3-3189302-T-A.
Other names: c.911T>A, p.Leu304Ter (NM_001302946.2); c.971T>A, p.Leu324Ter (NM_001367321.1, NM_001367322.1, NM_001367323.1); short protein forms L324*, L304*.
Identifiers: ClinVar variation 3662766 (VCV003662766.2).
Genomic context (GRCh38, chr3:3,147,618, plus strand): 5'-ATGATGTCACAAAATTGGATTTGAGGTTGAAGATCGCAAAAGAGGAGAAAAACCTTGGCT[T>A]ATTTATAGTTAAAAATAGGAAAGATTTAATTAAAGCAACAGATAGTTCAGACCCATTGAA-3'

ClinVar aggregate classification (germline): Pathogenic (1 of 4 stars; one submission).

Conditions:
Congenital sideroblastic anemia-B-cell immunodeficiency-periodic fever-developmental delay syndrome. Also called: Sideroblastic anemia with B-cell immunodeficiency, periodic fevers, and developmental delay. Identifiers: Orphanet 369861, MedGen C4015172, MONDO:0014487, OMIM 616084.

Submission:

Labcorp Genetics (formerly Invitae), Labcorp
Classification: Pathogenic for Congenital sideroblastic anemia-B-cell immunodeficiency-periodic fever-developmental delay syndrome. Last evaluated: 2024-08-27. Review status: criteria provided, single submitter. Criteria: Invitae Variant Classification Sherloc (09022015). Collection method: clinical testing. Allele origin: germline.
Comment: This sequence change creates a premature translational stop signal (p.Leu324*) in the TRNT1 gene. It is expected to result in an absent or disrupted protein product. Loss-of-function variants in TRNT1 are known to be pathogenic (PMID: 25193871). This variant is not present in population databases (gnomAD no frequency). This variant has not been reported in the literature in individuals affected with TRNT1-related conditions. For these reasons, this variant has been classified as Pathogenic.

Literature cited by the submitters: PubMed 25193871.